The following is an entry in ClinVar:

ClinVar aggregate classification (germline): Conflicting classifications of pathogenicity. Review status: criteria provided, conflicting classifications (1 of 4 stars). 2 submissions from 2 submitters: Uncertain significance (1); Likely benign (1). Last evaluated 2025-11-12.

Conditions:
Left ventricular noncompaction 8 (LVNC8). Identifiers: Orphanet 154, Orphanet 54260, MedGen C3809288, MONDO:0014152, OMIM 615373.

Allele frequency attached by ClinVar (database versions not stated): ExAC 0.00008; ESP Exome Variant Server 0.00008; gnomAD 0.00012 and 0.00013; gnomAD exomes 0.00014; TOPMed 0.00014.
gnomAD v4.1: 122 of 1,612,796 alleles (0.0076%); highest among the groups gnomAD compares: African/African-American, 0.011%; 1 homozygote.

Submissions (2):

Labcorp Genetics (formerly Invitae), Labcorp
Classification: Likely benign for Left ventricular noncompaction 8. Last evaluated: 2025-11-12. Review status: criteria provided, single submitter. Criteria: Invitae Variant Classification Sherloc (09022015). Collection method: clinical testing. Allele origin: germline.

GeneDx
Classification: Uncertain significance. Last evaluated: 2023-07-11. Review status: criteria provided, single submitter. Criteria: GeneDx Variant Classification Process June 2021. Collection method: clinical testing. Allele origin: germline. Affected: yes.
Comment: Identified in a patient with cardiomyopathy in published literature (van Lint et al., 2019); In silico analysis supports that this missense variant has a deleterious effect on protein structure/function; This variant is associated with the following publications: (PMID: 30847666)

NM_022114.4(PRDM16):c.2797C>T (p.Arg933Trp)

Gene: PRDM16 (PR/SET domain 16; plus strand). Cytogenetic location: 1p36.32.
Variant type: single nucleotide variant.
Coding change: c.2797C>T on transcript NM_022114.4 (MANE Select); coding-DNA position 2797, C replaced by T.
Protein change: p.Arg933Trp; replaces arginine 933 with tryptophan.
Molecular consequence: missense variant.
Genome position (GRCh38, 1-based): chr1:3,417,933, C>T. VCF-style: chr1-3417933-C-T. GRCh37 (hg19) VCF-style: chr1-3334497-C-T.
Other names: c.2797C>T, p.Arg933Trp (NM_199454.3); short protein forms R933W.
Identifiers: ClinVar variation 541391 (VCV000541391.14), dbSNP rs371460126, ClinGen allele CA544608.
Genomic context (GRCh38, chr1:3,417,933, plus strand): 5'-GCCATGAAGGCGGACTCGGGCAGCTCCCTGCAGCCCCTCCCCCACCACCCCTTCAACTTC[C>T]GGTCCCCACCCCCAACGCTCTCCGACCCCATCCTCAGGAAGGGCAAGGAGCGATACACGT-3'
Protein context (NP_071397.3, residues 923-943): QPLPHHPFNF[Arg933Trp]SPPPTLSDPI